The following is an entry in ClinVar:

NM_199420.4(POLQ):c.3629A>G (p.Gln1210Arg)

Gene: POLQ (DNA polymerase theta; minus strand). Cytogenetic location: 3q13.33.
Variant type: single nucleotide variant.
Coding change: c.3629A>G on transcript NM_199420.4 (MANE Select); coding-DNA position 3629, A replaced by G.
Protein change: p.Gln1210Arg; replaces glutamine 1210 with arginine.
Molecular consequence: missense variant.
Genome position (GRCh38, 1-based): chr3:121,489,302, T>C on the plus strand (A>G on the coding strand, the complement: POLQ is on the minus strand). VCF-style: chr3-121489302-T-C. GRCh37 (hg19) VCF-style: chr3-121208149-T-C.
Other names: short protein forms Q1210R.
Identifiers: ClinVar variation 3422564 (VCV003422564.1).

ClinVar aggregate classification (germline): Uncertain significance (1 of 4 stars; one submission).

gnomAD v4.1: 1 of 1,613,862 alleles (0.000062%); no homozygotes.

Submission:

Ambry Genetics
Classification: Uncertain significance. Last evaluated: 2024-09-21. Review status: criteria provided, single submitter. Criteria: Ambry Variant Classification Scheme 2023. Collection method: clinical testing. Allele origin: germline.
Comment: The p.Q1210R variant (also known as c.3629A>G), located in coding exon 16 of the POLQ gene, results from an A to G substitution at nucleotide position 3629. The glutamine at codon 1210 is replaced by arginine, an amino acid with highly similar properties. This amino acid position is conserved. In addition, this alteration is predicted to be tolerated by in silico analysis. Based on the available evidence, the clinical significance of this variant remains unclear.